The following is an entry in ClinVar:

NM_080680.3(COL11A2):c.5152C>A (p.Leu1718Met)

Gene: COL11A2 (collagen type XI alpha 2 chain; minus strand). Cytogenetic location: 6p21.32.
Variant type: single nucleotide variant.
Coding change: c.5152C>A on transcript NM_080680.3 (MANE Select); coding-DNA position 5152, C replaced by A.
Protein change: p.Leu1718Met; replaces leucine 1718 with methionine.
Molecular consequence: missense variant.
Genome position (GRCh38, 1-based): chr6:33,163,737, G>T on the plus strand (C>A on the coding strand, the complement: COL11A2 is on the minus strand). VCF-style: chr6-33163737-G-T. GRCh37 (hg19) VCF-style: chr6-33131514-G-T.
Other names: c.4831C>A, p.Leu1611Met (NM_080679.3); c.4894C>A, p.Leu1632Met (NM_080681.3); short protein forms L1718M, L1611M, L1632M.
Identifiers: ClinVar variation 449808 (VCV000449808.48), dbSNP rs1413052565, ClinGen allele CA363615494.

ClinVar aggregate classification (germline): Uncertain significance. Review status: criteria provided, multiple submitters, no conflicts (2 of 4 stars). 3 submissions from 3 submitters: Uncertain significance (3). Last evaluated 2022-09-23.

Allele frequency attached by ClinVar (database versions not stated): TOPMed below 0.00001; gnomAD 0.00001.
gnomAD v4.1: 1 of 1,612,970 alleles (0.000062%); highest among the groups gnomAD compares: Non-Finnish European, 0.000085%; no homozygotes.

Submissions (3):

Labcorp Genetics (formerly Invitae), Labcorp
Classification: Uncertain significance. Last evaluated: 2022-09-23. Review status: criteria provided, single submitter. Criteria: Invitae Variant Classification Sherloc (09022015). Collection method: clinical testing. Allele origin: germline.
Comment: This sequence change replaces leucine, which is neutral and non-polar, with methionine, which is neutral and non-polar, at codon 1718 of the COL11A2 protein (p.Leu1718Met). This variant is not present in population databases (gnomAD no frequency). This variant has not been reported in the literature in individuals affected with COL11A2-related conditions. ClinVar contains an entry for this variant (Variation ID: 449808). Advanced modeling of protein sequence and biophysical properties (such as structural, functional, and spatial information, amino acid conservation, physicochemical variation, residue mobility, and thermodynamic stability) performed at Invitae indicates that this missense variant is not expected to disrupt COL11A2 protein function. In summary, the available evidence is currently insufficient to determine the role of this variant in disease. Therefore, it has been classified as a Variant of Uncertain Significance.

GeneDx
Classification: Uncertain significance. Last evaluated: 2017-07-25. Review status: criteria provided, single submitter. Criteria: GeneDx Variant Classification (06012015). Collection method: clinical testing. Allele origin: germline. Affected: yes.
Comment: The L1718M variant of uncertain significance in the COL11A2 gene has not been published as pathogenic or benign to our knowledge. This variant is not observed in large population cohorts (Lek et al., 2016; 1000 Genomes Consortium et al., 2015; Exome Variant Server). However, L1718M is a conservative amino acid substitution, which is not likely to impact secondary protein structure as these residues share similar properties. This substitution also occurs at a position where amino acids with similar properties to methionine are tolerated across species. In silico analysis predicts this variant likely does not alter the protein structure/function. Finally, a missense variant in nearby residues (P1722L) has been reported at GeneDx as benign, suggesting that this region may tolerate some variation.Therefore, based on the currently available information, it is unclear whether L1718M in the COL11A2 is pathogenic or rare benign. This result cannot be interpreted for diagnosis or used for family member screening at this time.

CeGaT Center for Human Genetics Tuebingen
Classification: Uncertain significance. Last evaluated: 2016-11-01. Review status: criteria provided, single submitter. Criteria: CeGaT Center For Human Genetics Tuebingen Variant Classification Criteria Version 2. Collection method: clinical testing. Allele origin: germline. Affected: yes. Observed: 1 variant allele.